The following is an entry in ClinVar:

ClinVar aggregate classification (germline): Uncertain significance. Review status: criteria provided, multiple submitters, no conflicts (2 of 4 stars). 2 submissions from 2 submitters: Uncertain significance (2). Last evaluated 2024-09-07.

Conditions:
Long QT syndrome (LQTS). Identifiers: MedGen C0023976, MeSH D008133, MONDO:0002442. Disease mechanism: loss of function. Inheritance: Various modes of inheritance.

gnomAD v4.1: 1 of 1,613,934 alleles (0.000062%); highest among the groups gnomAD compares: Non-Finnish European, 0.000085%; no homozygotes.

Submissions (2):

GeneDx
Classification: Uncertain significance. Last evaluated: 2024-09-07. Review status: criteria provided, single submitter. Criteria: GeneDx Variant Classification Process June 2021. Collection method: clinical testing. Allele origin: germline. Affected: yes.
Comment: Not observed at significant frequency in large population cohorts (gnomAD); In silico analysis supports that this missense variant has a deleterious effect on protein structure/function; Has not been previously published as pathogenic or benign to our knowledge

Labcorp Genetics (formerly Invitae), Labcorp
Classification: Uncertain significance for Long QT syndrome. Last evaluated: 2024-03-18. Review status: criteria provided, single submitter. Criteria: Invitae Variant Classification Sherloc (09022015). Collection method: clinical testing. Allele origin: germline.
Comment: This sequence change replaces alanine, which is neutral and non-polar, with threonine, which is neutral and polar, at codon 570 of the ANK2 protein (p.Ala570Thr). This variant is not present in population databases (gnomAD no frequency). This variant has not been reported in the literature in individuals affected with ANK2-related conditions. Advanced modeling of protein sequence and biophysical properties (such as structural, functional, and spatial information, amino acid conservation, physicochemical variation, residue mobility, and thermodynamic stability) performed at Invitae indicates that this missense variant is not expected to disrupt ANK2 protein function with a negative predictive value of 80%. In summary, the available evidence is currently insufficient to determine the role of this variant in disease. Therefore, it has been classified as a Variant of Uncertain Significance.

NM_001148.6(ANK2):c.1708G>A (p.Ala570Thr)

Gene: ANK2 (ankyrin 2; plus strand). Cytogenetic location: 4q26.
Variant type: single nucleotide variant.
Coding change: c.1708G>A on transcript NM_001148.6 (MANE Select); coding-DNA position 1708, G replaced by A.
Protein change: p.Ala570Thr; replaces alanine 570 with threonine.
Molecular consequence: missense variant.
Genome position (GRCh38, 1-based): chr4:113,277,861, G>A. VCF-style: chr4-113277861-G-A. GRCh37 (hg19) VCF-style: chr4-114199017-G-A.
Other names: c.1645G>A, p.Ala549Thr (NM_001127493.3, NM_001354239.2, NM_001354243.2 and 14 more transcripts); c.1708G>A, p.Ala570Thr (NM_001354225.2, NM_001354228.2, NM_001354232.2 and 8 more transcripts); c.1753G>A, p.Ala585Thr (NM_001354230.2, NM_001354231.2, NM_001354237.2 and 5 more transcripts); c.1621G>A, p.Ala541Thr (NM_001354249.2, NM_001354271.2, NM_001354274.2 and 13 more transcripts); c.1498G>A, p.Ala500Thr (NM_001354269.3); c.1510G>A, p.Ala504Thr (NM_001354273.2); c.1423G>A, p.Ala475Thr (NM_001354277.2, NM_001386157.1, NM_001386158.1); c.1666G>A, p.Ala556Thr (NM_001386160.1, NM_001354261.2, NM_001386147.1); and 4 more; short protein forms A475T, A500T, A504T, A541T, A549T, A556T, A558T, A566T.
Identifiers: ClinVar variation 3627124 (VCV003627124.3).